The following is an entry in ClinVar:

ClinVar aggregate classification (germline): Likely benign (1 of 4 stars; one submission).

Conditions:
TNS2-related disorder. Also called: TNS2-related condition.

gnomAD v4.1: 13 of 1,590,640 alleles (0.00082%); highest among the groups gnomAD compares: African/African-American, 0.015%; no homozygotes.

Submission:

PreventionGenetics, part of Exact Sciences
Classification: Likely benign for TNS2-related condition. Last evaluated: 2025-04-24. Review status: criteria provided, single submitter. Criteria: ACMG Guidelines, 2015. Collection method: clinical testing. Allele origin: germline.
Comment: This variant is classified as likely benign based on ACMG/AMP sequence variant interpretation guidelines (Richards et al. 2015 PMID: 25741868, with internal and published modifications).

NM_170754.4(TNS2):c.1890C>G (p.Pro630=)

Gene: TNS2 (tensin 2; plus strand). Cytogenetic location: 12q13.13.
Variant type: single nucleotide variant.
Coding change: c.1890C>G on transcript NM_170754.4 (MANE Select); coding-DNA position 1890, C replaced by G.
Protein change: p.Pro630=; no amino-acid change (proline 630 retained).
Molecular consequence: synonymous variant.
Genome position (GRCh38, 1-based): chr12:53,059,531, C>G. VCF-style: chr12-53059531-C-G. GRCh37 (hg19) VCF-style: chr12-53453315-C-G.
Other names: c.1890C>G, p.Pro630= (NM_001416202.1); c.1848C>G, p.Pro616= (NM_001416203.1); c.1917C>G, p.Pro639= (NM_001416204.1); c.1821C>G, p.Pro607= (NM_015319.3); c.1518C>G, p.Pro506= (NM_198316.2).
Identifiers: ClinVar variation 4985480 (VCV004985480.1).